The following is an entry in ClinVar:

ClinVar aggregate classification (germline): Pathogenic/Likely pathogenic. Review status: criteria provided, multiple submitters, no conflicts (2 of 4 stars). 6 submissions from 6 submitters: Pathogenic (2); Likely pathogenic (2). 2 of the submissions do not count toward it. Last evaluated 2025-11-15.

Conditions:
B9D1-related disorder. Also called: B9D1-related disorders; B9D1-related condition.
Meckel-Gruber syndrome. Also called: DYSENCEPHALIA SPLANCHNOCYSTICA; Dysencephalia splachnocystica; GRUBER SYNDROME. Identifiers: Orphanet 564, MedGen C0265215, MONDO:0018921.
Joubert syndrome. Also called: Familial aplasia of the vermis; JOUBERT-BOLTSHAUSER SYNDROME. Identifiers: Orphanet 475, MedGen C5979921, MONDO:0018772.
Joubert syndrome 27 (JBTS27). Identifiers: MedGen C4310706, MONDO:0014927, OMIM 617120.
Meckel syndrome, type 9 (MKS9). Identifiers: Orphanet 564, MedGen C3280155, MONDO:0013630, OMIM 614209.

Allele frequency attached by ClinVar (database versions not stated): ExAC 0.00003; gnomAD exomes 0.00003 and 0.00004; TOPMed 0.00004; gnomAD 0.00009; ESP Exome Variant Server 0.00015; 1000 Genomes Project 30x 0.00016; 1000 Genomes Project 0.00020.
gnomAD v4.1: 71 of 1,613,852 alleles (0.0044%); highest among the groups gnomAD compares: Non-Finnish European, 0.0058%; no homozygotes.

Submissions (6):

Labcorp Genetics (formerly Invitae), Labcorp
Classification: Pathogenic for Joubert syndrome; Meckel-Gruber syndrome. Last evaluated: 2025-11-15. Review status: criteria provided, single submitter. Criteria: Invitae Variant Classification Sherloc (09022015). Collection method: clinical testing. Allele origin: germline.
Comment: This sequence change affects a donor splice site in intron 4 of the B9D1 gene. RNA analysis indicates that disruption of this splice site induces altered splicing and may result in an absent or altered protein product. This variant is present in population databases (rs143149764, gnomAD 0.006%). Disruption of this splice site has been observed in individual(s) with Meckel Gruber syndrome (PMID: 21493627). In at least one individual the data is consistent with being in trans (on the opposite chromosome) from a pathogenic variant. This variant is also known as c.505+2T>C. ClinVar contains an entry for this variant (Variation ID: 31102). Studies have shown that disruption of this splice site results in skipping of exon 4, and produces a non-functional protein and/or introduces a premature termination codon (PMID: 21493627). For these reasons, this variant has been classified as Pathogenic.

Blueprint Genetics
Classification: Likely pathogenic for B9D1-related disorders. Last evaluated: 2023-09-14. Review status: criteria provided, single submitter. Criteria: ACMG Guidelines, 2015. Collection method: clinical testing. Allele origin: germline. Affected: yes. Observed: 5 variant alleles.

Knight Diagnostic Laboratories, Oregon Health and Sciences University
Classification: Pathogenic for Joubert syndrome 27. Last evaluated: 2019-12-13. Review status: criteria provided, single submitter. Criteria: ACMG Guidelines, 2015. Collection method: clinical testing. Allele origin: germline. Observed: 1 variant allele.

Genetic Services Laboratory, University of Chicago
Classification: Likely pathogenic for ?Meckel syndrome 9. Last evaluated: 2015-11-06. Review status: criteria provided, single submitter. Criteria: ACMG Guidelines, 2015. Collection method: clinical testing. Allele origin: germline. Affected: yes.

OMIM
Classification: Pathogenic for MECKEL SYNDROME, TYPE 9 (1 family). Last evaluated: 2011-07-01. Review status: no assertion criteria provided. Collection method: literature only. Allele origin: germline. Not counted in ClinVar's aggregate classification.

Juha Muilu Group; Institute for Molecular Medicine Finland (FIMM)
Classification: Likely pathogenic. Review status: no assertion criteria provided. Collection method: not provided. Allele origin: unknown. Not counted in ClinVar's aggregate classification.
Comment: FinDis database variant: This variant was not found or characterized by our laboratory, data were collected from public sources: see reference
ClinVar note: Converted during submission from probable-pathogenic to Likely pathogenic.

Literature cited by the submitters: PubMed 21493627 (cited by Labcorp Genetics (formerly Invitae), Labcorp and OMIM).

NM_015681.6(B9D1):c.341+2T>C

Gene: B9D1 (B9 domain containing 1; minus strand). Cytogenetic location: 17p11.2.
Variant type: single nucleotide variant.
Coding change: c.341+2T>C on transcript NM_015681.6 (MANE Select); the canonical splice donor site of the intron after coding-DNA position 341, T replaced by C.
Molecular consequence: splice donor variant.
Genome position (GRCh38, 1-based): chr17:19,347,782, A>G on the plus strand (T>C on the coding strand, the complement: B9D1 is on the minus strand). VCF-style: chr17-19347782-A-G. GRCh37 (hg19) VCF-style: chr17-19251095-A-G.
Other names: B9D1, 505, T-C, +2; NM_001243473.1:c.400+2T>C; 505, T-C, +2; c.-20+2T>C (NM_001368769.2); c.341+2T>C (NM_001321219.2, NM_001321218.2, NM_001321217.2 and 4 more transcripts).
Identifiers: ClinVar variation 31102 (VCV000031102.18), dbSNP rs143149764, ClinGen allele CA129674.